The following is an entry in ClinVar:

NM_018979.4(WNK1):c.2658G>C (p.Pro886=)

Gene: WNK1 (WNK lysine deficient protein kinase 1; plus strand). Cytogenetic location: 12p13.33.
Variant type: single nucleotide variant.
Coding change: c.2658G>C on transcript NM_018979.4 (MANE Select); coding-DNA position 2658, G replaced by C.
Protein change: p.Pro886=; no amino-acid change (proline 886 retained).
Molecular consequence: synonymous variant. On other transcripts: intron variant (3).
Genome position (GRCh38, 1-based): chr12:879,857, G>C. VCF-style: chr12-879857-G-C. GRCh37 (hg19) VCF-style: chr12-989023-G-C.
Other names: c.3867+1496G>C (NM_213655.5); c.3613-864G>C (NM_001184985.2); c.2370+1496G>C (NM_014823.3).
Identifiers: ClinVar variation 310753 (VCV000310753.8), dbSNP rs200965163, ClinGen allele CA6382535.

ClinVar aggregate classification (germline): Benign/Likely benign. Review status: criteria provided, multiple submitters, no conflicts (2 of 4 stars). 3 submissions from 3 submitters: Benign (1); Likely benign (1). 1 of the submissions does not count toward it. Last evaluated 2021-08-23.

Conditions:
WNK1-related disorder. Also called: WNK1-related condition.
Pseudohypoaldosteronism type 2C (PHA2C). Also called: Pseudohypoaldosteronism Type IIC. Identifiers: Orphanet 757, Orphanet 88940, MedGen C1840391, MONDO:0013778, OMIM 614492.
Neuropathy, hereditary sensory and autonomic, type 2A (HSAN2A). Also called: ACROOSTEOLYSIS, GIACCAI TYPE; ACROOSTEOLYSIS, NEUROGENIC; MORVAN DISEASE; NEUROPATHY, CONGENITAL SENSORY; NEUROPATHY, HEREDITARY SENSORY RADICULAR, AUTOSOMAL RECESSIVE; NEUROPATHY, HEREDITARY SENSORY, TYPE IIA. Identifiers: Orphanet 970, MedGen C2752089, MONDO:0024309, OMIM 201300.

Allele frequency attached by ClinVar (database versions not stated): gnomAD below 0.00001; TOPMed 0.00002; 1000 Genomes Project 30x 0.00047; 1000 Genomes Project 0.00060.
gnomAD v4.1: 257 of 1,614,080 alleles (0.016%); highest among the groups gnomAD compares: South Asian, 0.27%; 4 homozygotes.

Submissions (3):

Fulgent Genetics
Classification: Likely benign for Neuropathy, hereditary sensory and autonomic, type 2A; Pseudohypoaldosteronism type 2C. Last evaluated: 2021-08-23. Review status: criteria provided, single submitter. Criteria: ACMG Guidelines, 2015. Collection method: clinical testing. Allele origin: unknown.

Illumina Laboratory Services, Illumina
Classification: Benign for Pseudohypoaldosteronism type 2C. Last evaluated: 2018-01-13. Review status: criteria provided, single submitter. Criteria: ICSL Variant Classification Criteria 13 December 2019. Collection method: clinical testing. Allele origin: germline.
Comment: This variant was observed in the ICSL laboratory as part of a predisposition screen in an ostensibly healthy population. It had not been previously curated by ICSL or reported in the Human Gene Mutation Database (HGMD: prior to June 1st, 2018), and was therefore a candidate for classification through an automated scoring system. Utilizing variant allele frequency, disease prevalence and penetrance estimates, and inheritance mode, an automated score was calculated to assess if this variant is too frequent to cause the disease. Based on the score and internal cut-off values, a variant classified as benign is not then subjected to further curation. The score for this variant resulted in a classification of benign for this disease.

PreventionGenetics, part of Exact Sciences
Classification: Likely benign for WNK1-related condition. Last evaluated: 2019-05-14. Review status: no assertion criteria provided. Collection method: clinical testing. Allele origin: germline. Not counted in ClinVar's aggregate classification.
Comment: This variant is classified as likely benign based on ACMG/AMP sequence variant interpretation guidelines (Richards et al. 2015 PMID: 25741868, with internal and published modifications).